The following is an entry in ClinVar:

ClinVar aggregate classification (germline): Uncertain significance (1 of 4 stars; one submission).

gnomAD v4.1: 2 of 1,405,198 alleles (0.00014%); highest among the groups gnomAD compares: Middle Eastern, 0.023%; no homozygotes.

Submission:

Labcorp Genetics (formerly Invitae), Labcorp
Classification: Uncertain significance. Last evaluated: 2025-07-03. Review status: criteria provided, single submitter. Criteria: Invitae Variant Classification Sherloc (09022015). Collection method: clinical testing. Allele origin: germline.
Comment: This sequence change replaces tyrosine, which is neutral and polar, with cysteine, which is neutral and slightly polar, at codon 494 of the MPDZ protein (p.Tyr494Cys). The frequency data for this variant in the population databases is considered unreliable, as metrics indicate poor data quality at this position in the gnomAD database. This variant has not been reported in the literature in individuals affected with MPDZ-related conditions. An algorithm developed to predict the effect of missense changes on protein structure and function outputs the following: PolyPhen-2: "Benign". The cysteine amino acid residue is found in multiple mammalian species, which suggests that this missense change does not adversely affect protein function. In summary, the available evidence is currently insufficient to determine the role of this variant in disease. Therefore, it has been classified as a Variant of Uncertain Significance.

NM_001378778.1(MPDZ):c.1481A>G (p.Tyr494Cys)

Gene: MPDZ (multiple PDZ domain crumbs cell polarity complex component; minus strand). Cytogenetic location: 9p23.
Variant type: single nucleotide variant.
Coding change: c.1481A>G on transcript NM_001378778.1 (MANE Select); coding-DNA position 1481, A replaced by G.
Protein change: p.Tyr494Cys; replaces tyrosine 494 with cysteine.
Molecular consequence: missense variant.
Genome position (GRCh38, 1-based): chr9:13,205,101, T>C on the plus strand (A>G on the coding strand, the complement: MPDZ is on the minus strand). VCF-style: chr9-13205101-T-C. GRCh37 (hg19) VCF-style: chr9-13205100-T-C.
Other names: c.1481A>G, p.Tyr494Cys (NM_001261406.2, NM_001261407.2, NM_001330637.2 and 14 more transcripts); short protein forms Y494C.
Identifiers: ClinVar variation 4752793 (VCV004752793.1).